The following is an entry in ClinVar:

NM_000183.3(HADHB):c.1142C>T (p.Ala381Val)

Gene: HADHB (hydroxyacyl-CoA dehydrogenase trifunctional multienzyme complex subunit beta; plus strand). Cytogenetic location: 2p23.3.
Variant type: single nucleotide variant.
Coding change: c.1142C>T on transcript NM_000183.3 (MANE Select); coding-DNA position 1142, C replaced by T.
Protein change: p.Ala381Val; replaces alanine 381 with valine.
Molecular consequence: missense variant.
Genome position (GRCh38, 1-based): chr2:26,284,197, C>T. VCF-style: chr2-26284197-C-T. GRCh37 (hg19) VCF-style: chr2-26507065-C-T.
Other names: c.1097C>T, p.Ala366Val (NM_001281512.2); c.1076C>T, p.Ala359Val (NM_001281513.2); short protein forms A359V, A366V, A381V.
Identifiers: ClinVar variation 1045084 (VCV001045084.6), dbSNP rs774703599, ClinGen allele CA346095992.
Genomic context (GRCh38, chr2:26,284,197, plus strand): 5'-AAGTTCTAGAAAAGGCAGGATTGACCATGAATGATATTGATGCTTTTGAATTTCATGAAG[C>T]TTTCTCGGTAAGTAATTTGAAAGACACATATGAAGGGACTATAGTCATAAAAAATGTCAT-3'
Protein context (NP_000174.1, residues 371-391): NDIDAFEFHE[Ala381Val]FSGQILANFK

ClinVar aggregate classification (germline): Uncertain significance (1 of 4 stars; one submission).

Conditions:
Mitochondrial trifunctional protein deficiency. Identifiers: Orphanet 746, MedGen C1969443, MONDO:0012172.

gnomAD v4.1: 7 of 1,536,934 alleles (0.00046%); highest among the groups gnomAD compares: South Asian, 0.0078%; no homozygotes.

Submission:

Labcorp Genetics (formerly Invitae), Labcorp
Classification: Uncertain significance for Mitochondrial trifunctional protein deficiency. Last evaluated: 2021-08-31. Review status: criteria provided, single submitter. Criteria: Invitae Variant Classification Sherloc (09022015). Collection method: clinical testing. Allele origin: germline.
Comment: This sequence change replaces alanine with valine at codon 381 of the HADHB protein (p.Ala381Val). The alanine residue is highly conserved and there is a small physicochemical difference between alanine and valine. This variant is not present in population databases (ExAC no frequency). This variant has not been reported in the literature in individuals affected with HADHB-related conditions. Algorithms developed to predict the effect of missense changes on protein structure and function (SIFT, PolyPhen-2, Align-GVGD) all suggest that this variant is likely to be disruptive. In summary, the available evidence is currently insufficient to determine the role of this variant in disease. Therefore, it has been classified as a Variant of Uncertain Significance.